The following is an entry in ClinVar:

NM_001278512.2(AP3B2):c.2395G>A (p.Glu799Lys)

Genes: AP3B2 (adaptor related protein complex 3 subunit beta 2; minus strand), CPEB1-AS1 (CPEB1 antisense RNA 1; plus strand). Cytogenetic location: 15q25.2.
Variant type: single nucleotide variant.
Coding change: c.2395G>A on transcript NM_001278512.2 (MANE Select); coding-DNA position 2395, G replaced by A.
Protein change: p.Glu799Lys; replaces glutamic acid 799 with lysine.
Molecular consequence: missense variant.
Genome position (GRCh38, 1-based): chr15:82,663,842, C>T on the plus strand (G>A on the coding strand, the complement: AP3B2 is on the minus strand). VCF-style: chr15-82663842-C-T. GRCh37 (hg19) VCF-style: chr15-83332594-C-T.
Other names: c.2242G>A, p.Glu748Lys (NM_001278511.2); c.2338G>A, p.Glu780Lys (NM_004644.5); short protein forms E799K, E748K, E780K.
Identifiers: ClinVar variation 1509351 (VCV001509351.6), dbSNP rs746399181, ClinGen allele CA7699933.
Genomic context (GRCh38, chr15:82,663,842, plus strand): 5'-TCTGCCCCAAGGCTCTCACTGTTTTCCTGCTCCAGGAGGCAGGTTCTAACTGCTCCTCCT[C>T]GGACTCCGATGTCATCTCGGACTCTGATGAGCTACTGCTGGAATCGCTGCCCTCATCAGA-3'
Protein context (NP_001265441.1, residues 789-809): SSESEMTSES[Glu799Lys]EEQLEPASWS

ClinVar aggregate classification (germline): Uncertain significance (1 of 4 stars; one submission).

Allele frequency attached by ClinVar (database versions not stated): gnomAD exomes 0.00001 and 0.00003; TOPMed 0.00001; ExAC 0.00002; gnomAD 0.00002.
gnomAD v4.1: 41 of 1,613,750 alleles (0.0025%); highest among the groups gnomAD compares: Non-Finnish European, 0.0032%; no homozygotes.

Submission:

Labcorp Genetics (formerly Invitae), Labcorp
Classification: Uncertain significance. Last evaluated: 2023-07-18. Review status: criteria provided, single submitter. Criteria: Invitae Variant Classification Sherloc (09022015). Collection method: clinical testing. Allele origin: germline.
Comment: In summary, the available evidence is currently insufficient to determine the role of this variant in disease. Therefore, it has been classified as a Variant of Uncertain Significance. This sequence change replaces glutamic acid, which is acidic and polar, with lysine, which is basic and polar, at codon 780 of the AP3B2 protein (p.Glu780Lys). This variant is present in population databases (rs746399181, gnomAD 0.01%). This variant has not been reported in the literature in individuals affected with AP3B2-related conditions. ClinVar contains an entry for this variant (Variation ID: 1509351). An algorithm developed to predict the effect of missense changes on protein structure and function (PolyPhen-2) suggests that this variant is likely to be tolerated.